The following is an entry in ClinVar:

NM_000521.4(HEXB):c.1670A>G (p.Ter557=)

Gene: HEXB (hexosaminidase subunit beta; plus strand). Cytogenetic location: 5q13.3.
Variant type: single nucleotide variant.
Coding change: c.1670A>G on transcript NM_000521.4 (MANE Select); coding-DNA position 1670, A replaced by G.
Protein change: p.Ter557=.
Molecular consequence: synonymous variant.
Genome position (GRCh38, 1-based): chr5:74,721,174, A>G. VCF-style: chr5-74721174-A-G. GRCh37 (hg19) VCF-style: chr5-74016999-A-G.
Other names: p.*557=; c.995A>G, p.Ter332= (NM_001292004.2).
Identifiers: ClinVar variation 991046 (VCV000991046.12), dbSNP rs576145664, ClinGen allele CA3306252.

ClinVar aggregate classification (germline): Likely benign. Review status: criteria provided, multiple submitters, no conflicts (2 of 4 stars). 4 submissions from 4 submitters: Likely benign (3). 1 of the submissions does not count toward it. Last evaluated 2025-08-14.

Conditions:
Sandhoff disease. Also called: GM2-GANGLIOSIDOSIS, TYPE II; HEXOSAMINIDASES A AND B DEFICIENCY; Beta-hexosaminidase-beta-subunit deficiency; GM2 gangliosidosis, type 2; Total hexosaminidase deficiency; Sandhoff-Jatzkewitz-Pilz disease. Identifiers: Orphanet 796, MedGen C0036161, MONDO:0010006, OMIM 268800.

Allele frequency attached by ClinVar (database versions not stated): ExAC 0.00012; gnomAD 0.00015 and 0.00016; TOPMed 0.00017; 1000 Genomes Project 0.00040; 1000 Genomes Project 30x 0.00047.
gnomAD v4.1: 101 of 1,611,838 alleles (0.0063%); highest among the groups gnomAD compares: Middle Eastern, 0.15%; 1 homozygote.

Submissions (4):

Mayo Clinic Laboratories, Mayo Clinic
Classification: Likely benign. Last evaluated: 2025-08-14. Review status: criteria provided, single submitter. Criteria: ACMG Guidelines, 2015. Collection method: clinical testing. Allele origin: germline. Observed: 1 variant allele.
Comment: BP4, BP7

Labcorp Genetics (formerly Invitae), Labcorp
Classification: Likely benign for Sandhoff disease. Last evaluated: 2024-12-09. Review status: criteria provided, single submitter. Criteria: Invitae Variant Classification Sherloc (09022015). Collection method: clinical testing. Allele origin: germline.

Blueprint Genetics
Classification: Likely benign. Last evaluated: 2024-05-27. Review status: criteria provided, single submitter. Criteria: ACMG Guidelines, 2015. Collection method: clinical testing. Allele origin: germline.

Natera, Inc.
Classification: Uncertain significance for Sandhoff disease. Last evaluated: 2020-04-03. Review status: no assertion criteria provided. Collection method: clinical testing. Allele origin: germline. Not counted in ClinVar's aggregate classification.